The following is an entry in ClinVar:

NM_001042492.3(NF1):c.1183A>G (p.Lys395Glu)

Gene: NF1 (neurofibromin 1; plus strand). Cytogenetic location: 17q11.2.
Variant type: single nucleotide variant.
Coding change: c.1183A>G on transcript NM_001042492.3 (MANE Select); coding-DNA position 1183, A replaced by G.
Protein change: p.Lys395Glu; replaces lysine 395 with glutamic acid.
Molecular consequence: missense variant.
Genome position (GRCh38, 1-based): chr17:31,201,157, A>G. VCF-style: chr17-31201157-A-G. GRCh37 (hg19) VCF-style: chr17-29528175-A-G.
Other names: c.1183A>G, p.Lys395Glu (NM_000267.4, NM_001128147.3); short protein forms K395E.
Identifiers: ClinVar variation 1023560 (VCV001023560.5), dbSNP rs770767889, ClinGen allele CA8485693.

ClinVar aggregate classification (germline): Uncertain significance (1 of 4 stars; one submission).

Conditions:
Neurofibromatosis, type 1 (NF1). Also called: Peripheral type neurofibromatosis; Neurofibromatosis, type I; VON RECKLINGHAUSEN DISEASE; NEUROFIBROMATOSIS, TYPE I, SOMATIC. Identifiers: Orphanet 636, MedGen C0027831, MONDO:0018975, OMIM 162200. Disease mechanism: loss of function.

Allele frequency attached by ClinVar (database versions not stated): gnomAD exomes below 0.00001; ExAC 0.00001.
gnomAD v4.1: 1 of 1,614,092 alleles (0.000062%); highest among the groups gnomAD compares: Non-Finnish European, 0.000085%; no homozygotes.

Submission:

Labcorp Genetics (formerly Invitae), Labcorp
Classification: Uncertain significance for Neurofibromatosis, type 1. Last evaluated: 2020-02-24. Review status: criteria provided, single submitter. Criteria: Invitae Variant Classification Sherloc (09022015). Collection method: clinical testing. Allele origin: germline.
Comment: This variant is present in population databases (rs770767889, ExAC 0.002%). This sequence change replaces lysine with glutamic acid at codon 395 of the NF1 protein (p.Lys395Glu). The lysine residue is highly conserved and there is a small physicochemical difference between lysine and glutamic acid. In summary, the available evidence is currently insufficient to determine the role of this variant in disease. Therefore, it has been classified as a Variant of Uncertain Significance. Algorithms developed to predict the effect of missense changes on protein structure and function are either unavailable or do not agree on the potential impact of this missense change (SIFT: "Tolerated"; PolyPhen-2: "Probably Damaging"; Align-GVGD: "Class C0"). This variant has not been reported in the literature in individuals with NF1-related conditions.